The following is an entry in ClinVar:

NM_013964.5(NRG1):c.502+31342G>A

Gene: NRG1 (neuregulin 1; plus strand). Cytogenetic location: 8p12.
Variant type: single nucleotide variant.
Coding change: c.502+31342G>A on transcript NM_013964.5 (MANE Select); 31342 bases into the intron after coding-DNA position 502, G replaced by A.
Molecular consequence: intron variant. On other transcripts: synonymous variant (4).
Genome position (GRCh38, 1-based): chr8:32,648,227, G>A. VCF-style: chr8-32648227-G-A. GRCh37 (hg19) VCF-style: chr8-32505746-G-A.
Other names: c.510G>A, p.Ala170= (NM_001322205.2, NM_001322206.2, NM_001322207.2 and 1 more transcripts); c.439+31342G>A (NM_001159999.3); c.388+33663G>A (NM_001159995.3); c.-205+33663G>A (NM_001322201.2); c.337+42544G>A (NM_001160001.3); c.-205+42544G>A (NM_001322202.2); c.1045+42544G>A (NM_013962.3); c.502+31342G>A (NM_013960.5, NM_013956.5, NM_001160004.3 and 4 more transcripts); and 2 more.
Identifiers: ClinVar variation 3353184 (VCV003353184.1).

ClinVar aggregate classification (germline): Likely benign (0 of 4 stars; one submission).

Conditions:
NRG1-related disorder. Also called: NRG1-related condition.

gnomAD v4.1: 17 of 1,613,868 alleles (0.0011%); highest among the groups gnomAD compares: Middle Eastern, 0.016%; no homozygotes.

Submission:

PreventionGenetics, part of Exact Sciences
Classification: Likely benign for NRG1-related condition. Last evaluated: 2019-03-28. Review status: no assertion criteria provided. Collection method: clinical testing. Allele origin: germline.
Comment: This variant is classified as likely benign based on ACMG/AMP sequence variant interpretation guidelines (Richards et al. 2015 PMID: 25741868, with internal and published modifications).